The following is an entry in ClinVar:

NM_001349253.2(SCN11A):c.3132C>G (p.Asn1044Lys)

Gene: SCN11A (sodium voltage-gated channel alpha subunit 11; minus strand). Cytogenetic location: 3p22.2.
Variant type: single nucleotide variant.
Coding change: c.3132C>G on transcript NM_001349253.2 (MANE Select); coding-DNA position 3132, C replaced by G.
Protein change: p.Asn1044Lys; replaces asparagine 1044 with lysine.
Molecular consequence: missense variant.
Genome position (GRCh38, 1-based): chr3:38,883,320, G>C on the plus strand (C>G on the coding strand, the complement: SCN11A is on the minus strand). VCF-style: chr3-38883320-G-C. GRCh37 (hg19) VCF-style: chr3-38924811-G-C.
Other names: c.3132C>G, p.Asn1044Lys (NM_014139.3); short protein forms N1044K.
Identifiers: ClinVar variation 474718 (VCV000474718.21), dbSNP rs35693485, ClinGen allele CA2321865.

ClinVar aggregate classification (germline): Benign/Likely benign. Review status: criteria provided, multiple submitters, no conflicts (2 of 4 stars). 7 submissions from 7 submitters: Benign (4); Likely benign (1). 2 of the submissions do not count toward it. Last evaluated 2026-01-05.

Conditions:
Inborn genetic diseases. Identifiers: MedGen C0950123, MeSH D030342.
Hereditary sensory and autonomic neuropathy type 7. Also called: HSAN VII; Neuropathy, hereditary sensory and autonomic, type VII. Identifiers: Orphanet 391397, MedGen C3809882, MONDO:0014244, OMIM 615548.
Familial episodic pain syndrome with predominantly lower limb involvement. Also called: Episodic pain syndrome, familial, 3. Identifiers: Orphanet 391384, Orphanet 391392, MedGen C3809899, MONDO:0014247, OMIM 615552.

Allele frequency attached by ClinVar (database versions not stated): 1000 Genomes Project 30x 0.00281; 1000 Genomes Project 0.00300; ESP Exome Variant Server 0.00300; gnomAD 0.00363 and 0.00382; TOPMed 0.00389.
gnomAD v4.1: 1,652 of 1,613,948 alleles (0.1%); highest among the groups gnomAD compares: African/African-American, 1.3%; 8 homozygotes.

Submissions (7):

Labcorp Genetics (formerly Invitae), Labcorp
Classification: Benign for Familial episodic pain syndrome with predominantly lower limb involvement; Hereditary sensory and autonomic neuropathy type 7. Last evaluated: 2026-01-05. Review status: criteria provided, single submitter. Criteria: Invitae Variant Classification Sherloc (09022015). Collection method: clinical testing. Allele origin: germline.

Blueprint Genetics
Classification: Benign. Last evaluated: 2024-09-03. Review status: criteria provided, single submitter. Criteria: ACMG Guidelines, 2015. Collection method: clinical testing. Allele origin: germline.

Ambry Genetics
Classification: Likely benign for Inborn genetic diseases. Last evaluated: 2021-06-15. Review status: criteria provided, single submitter. Criteria: Ambry Variant Classification Scheme 2023. Collection method: clinical testing. Allele origin: germline.

GeneDx
Classification: Benign. Last evaluated: 2020-03-23. Review status: criteria provided, single submitter. Criteria: GeneDx Variant Classification Process June 2021. Collection method: clinical testing. Allele origin: germline. Affected: yes.
Comment: This variant is associated with the following publications: (PMID: 29264398)

Breakthrough Genomics
Classification: Benign. Review status: criteria provided, single submitter. Criteria: ACMG Guidelines, 2015. Collection method: not provided. Allele origin: germline. Inheritance: Autosomal dominant inheritance. Affected: yes.

Clinical Genetics, Academic Medical Center
Classification: Likely benign. Review status: no assertion criteria provided. Collection method: clinical testing. Allele origin: germline. Affected: yes. Study: VKGL Data-share Consensus. Not counted in ClinVar's aggregate classification.

Joint Genome Diagnostic Labs from Nijmegen and Maastricht, Radboudumc and MUMC+
Classification: Likely benign. Review status: no assertion criteria provided. Collection method: clinical testing. Allele origin: germline. Affected: yes. Study: VKGL Data-share Consensus. Not counted in ClinVar's aggregate classification.